The following is an entry in ClinVar:

NM_000051.4(ATM):c.1924G>A (p.Glu642Lys)

Gene: ATM (ATM serine/threonine kinase; plus strand). Cytogenetic location: 11q22.3.
Variant type: single nucleotide variant.
Coding change: c.1924G>A on transcript NM_000051.4 (MANE Select); coding-DNA position 1924, G replaced by A.
Protein change: p.Glu642Lys; replaces glutamic acid 642 with lysine.
Molecular consequence: missense variant.
Genome position (GRCh38, 1-based): chr11:108,253,839, G>A. VCF-style: chr11-108253839-G-A. GRCh37 (hg19) VCF-style: chr11-108124566-G-A.
Other names: c.1924G>A, p.Glu642Lys (NM_001351834.2); c.1924G>A (NM_000051.3); short protein forms E642K.
Identifiers: ClinVar variation 1351365 (VCV001351365.4), dbSNP rs1057519364, ClinGen allele CA382536481.

ClinVar aggregate classification (germline): Uncertain significance. Review status: criteria provided, multiple submitters, no conflicts (2 of 4 stars). 2 submissions from 2 submitters: Uncertain significance (2). Last evaluated 2024-02-21.

Conditions:
Hereditary cancer-predisposing syndrome. Also called: Hereditary Cancer Syndrome; Neoplastic Syndromes, Hereditary; Tumor predisposition; Hereditary neoplastic syndrome. Identifiers: Orphanet 140162, MedGen C0027672, MeSH D009386, MONDO:0015356.
Ataxia-telangiectasia syndrome (AT). Also called: Ataxia-telangiectasia, complementation group D; ATAXIA-TELANGIECTASIA, COMPLEMENTATION GROUP A; ATAXIA-TELANGIECTASIA, FRESNO VARIANT; Ataxia-telangiectasia, complementation group E; Cerebello-oculocutaneous telangiectasia; Immunodeficiency with ataxia telangiectasia. Identifiers: Orphanet 100, MedGen C0004135, MONDO:0008840, OMIM 208900.

Submissions (2):

Ambry Genetics
Classification: Uncertain significance for Hereditary cancer-predisposing syndrome. Last evaluated: 2024-02-21. Review status: criteria provided, single submitter. Criteria: Ambry Variant Classification Scheme 2023. Collection method: clinical testing. Allele origin: germline.
Comment: The p.E642K variant (also known as c.1924G>A), located in coding exon 12 of the ATM gene, results from a G to A substitution at nucleotide position 1924. The glutamic acid at codon 642 is replaced by lysine, an amino acid with similar properties. This amino acid position is highly conserved in available vertebrate species. In addition, this alteration is predicted to be tolerated by in silico analysis. Based on the available evidence, the clinical significance of this alteration remains unclear.

Labcorp Genetics (formerly Invitae), Labcorp
Classification: Uncertain significance for Ataxia-telangiectasia syndrome. Last evaluated: 2022-01-12. Review status: criteria provided, single submitter. Criteria: Invitae Variant Classification Sherloc (09022015). Collection method: clinical testing. Allele origin: germline.
Comment: This sequence change replaces glutamic acid, which is acidic and polar, with lysine, which is basic and polar, at codon 642 of the ATM protein (p.Glu642Lys). This variant is not present in population databases (gnomAD no frequency). This variant has not been reported in the literature in individuals affected with ATM-related conditions. Advanced modeling of protein sequence and biophysical properties (such as structural, functional, and spatial information, amino acid conservation, physicochemical variation, residue mobility, and thermodynamic stability) performed at Invitae indicates that this missense variant is not expected to disrupt ATM protein function. In summary, the available evidence is currently insufficient to determine the role of this variant in disease. Therefore, it has been classified as a Variant of Uncertain Significance.